The following is an entry in ClinVar:

ClinVar aggregate classification (germline): Uncertain significance (1 of 4 stars; one submission).

Submission:

Labcorp Genetics (formerly Invitae), Labcorp
Classification: Uncertain significance. Last evaluated: 2025-01-27. Review status: criteria provided, single submitter. Criteria: Invitae Variant Classification Sherloc (09022015). Collection method: clinical testing. Allele origin: germline.
Comment: This sequence change replaces leucine, which is neutral and non-polar, with valine, which is neutral and non-polar, at codon 280 of the PCDH15 protein (p.Leu280Val). This variant is present in population databases (rs763176838, gnomAD 0.003%). This variant has not been reported in the literature in individuals affected with PCDH15-related conditions. ClinVar contains an entry for this variant (Variation ID: 2158954). Invitae Evidence Modeling of protein sequence and biophysical properties (such as structural, functional, and spatial information, amino acid conservation, physicochemical variation, residue mobility, and thermodynamic stability) indicates that this missense variant is not expected to disrupt PCDH15 protein function with a negative predictive value of 95%. In summary, the available evidence is currently insufficient to determine the role of this variant in disease. Therefore, it has been classified as a Variant of Uncertain Significance.

NM_001384140.1(PCDH15):c.838C>G (p.Leu280Val)

Gene: PCDH15 (protocadherin related 15; minus strand). Cytogenetic location: 10q21.1.
Variant type: single nucleotide variant.
Coding change: c.838C>G on transcript NM_001384140.1 (MANE Select); coding-DNA position 838, C replaced by G.
Protein change: p.Leu280Val; replaces leucine 280 with valine.
Molecular consequence: missense variant.
Genome position (GRCh38, 1-based): chr10:54,317,309, G>C on the plus strand (C>G on the coding strand, the complement: PCDH15 is on the minus strand). VCF-style: chr10-54317309-G-C. GRCh37 (hg19) VCF-style: chr10-56077069-G-C.
Other names: c.853C>G, p.Leu285Val (NM_001142763.2, NM_001142769.4, NM_001142771.2); c.838C>G, p.Leu280Val (NM_001142764.2, NM_001142765.2, NM_001142766.2 and 7 more transcripts); c.727C>G, p.Leu243Val (NM_001142767.2); c.772C>G, p.Leu258Val (NM_001142768.2, NM_001142773.2, NM_001354404.2); short protein forms L258V, L243V, L280V, L285V.
Identifiers: ClinVar variation 2158954 (VCV002158954.4), dbSNP rs763176838, ClinGen allele CA5506584.
Genomic context (GRCh38, chr10:54,317,309, plus strand): 5'-AGAAAGATAAGAGTATATTTACCGGAGTTCTCAACTCAGGTATGGCAGCTTGATAAGTGA[G>C]TGGACGGCAATCACGAGTGTTTGGCACAAGGACACAAGGAAGAAACATTGGACCCAAGTC-3'
Protein context (NP_001371069.1, residues 270-290): LVPNTRDCRP[Leu280Val]TYQAAIPELR